The following is an entry in ClinVar:

NM_000458.4(HNF1B):c.316C>G (p.Gln106Glu)

Gene: HNF1B (HNF1 homeobox B; minus strand). Cytogenetic location: 17q12.
Variant type: single nucleotide variant.
Coding change: c.316C>G on transcript NM_000458.4 (MANE Select); coding-DNA position 316, C replaced by G.
Protein change: p.Gln106Glu; replaces glutamine 106 with glutamic acid.
Molecular consequence: missense variant.
Genome position (GRCh38, 1-based): chr17:37,744,569, G>C on the plus strand (C>G on the coding strand, the complement: HNF1B is on the minus strand). VCF-style: chr17-37744569-G-C. GRCh37 (hg19) VCF-style: chr17-36104560-G-C.
Other names: c.316C>G, p.Gln106Glu (NM_001304286.2, NM_001411100.1, NM_001165923.4); short protein forms Q106E.
Identifiers: ClinVar variation 4770288 (VCV004770288.1).
Genomic context (GRCh38, chr17:37,744,569, plus strand): 5'-GGTGGGTCCCCTCCACCTCGCTCTGCGCCTACCTGAGCATCCGGTCCACCTCCGCCCGCT[G>C]CTCCGCCGCCTCCTCGGTGTTGAGCGCCTGCAGCTCCTTGAGGATGGGAGGTGTGTCATA-3'
Protein context (NP_000449.1, residues 96-116): QALNTEEAAE[Gln106Glu]RAEVDRMLSE

ClinVar aggregate classification (germline): Uncertain significance (1 of 4 stars; one submission).

Submission:

Labcorp Genetics (formerly Invitae), Labcorp
Classification: Uncertain significance. Last evaluated: 2025-10-29. Review status: criteria provided, single submitter. Criteria: Invitae Variant Classification Sherloc (09022015). Collection method: clinical testing. Allele origin: germline.
Comment: This sequence change replaces glutamine, which is neutral and polar, with glutamic acid, which is acidic and polar, at codon 106 of the HNF1B protein (p.Gln106Glu). This variant is not present in population databases (gnomAD no frequency). This variant has not been reported in the literature in individuals affected with HNF1B-related conditions. Invitae Evidence Modeling of protein sequence and biophysical properties (such as structural, functional, and spatial information, amino acid conservation, physicochemical variation, residue mobility, and thermodynamic stability) indicates that this missense variant is not expected to disrupt HNF1B protein function with a negative predictive value of 80%. In summary, the available evidence is currently insufficient to determine the role of this variant in disease. Therefore, it has been classified as a Variant of Uncertain Significance.